The following is an entry in ClinVar:

NM_000313.4(PROS1):c.586A>G (p.Lys196Glu)

Gene: PROS1 (protein S; minus strand). Cytogenetic location: 3q11.1.
Variant type: single nucleotide variant.
Coding change: c.586A>G on transcript NM_000313.4 (MANE Select); coding-DNA position 586, A replaced by G.
Protein change: p.Lys196Glu; replaces lysine 196 with glutamic acid.
Molecular consequence: missense variant.
Genome position (GRCh38, 1-based): chr3:93,905,799, T>C on the plus strand (A>G on the coding strand, the complement: PROS1 is on the minus strand). VCF-style: chr3-93905799-T-C. GRCh37 (hg19) VCF-style: chr3-93624643-T-C.
Other names: K155E; c.682A>G, p.Lys228Glu (NM_001314077.2); short protein forms K196E, K228E.
Identifiers: ClinVar variation 13318 (VCV000013318.15), dbSNP rs121918474, ClinGen allele CA123032.

ClinVar aggregate classification (germline): Pathogenic. Review status: criteria provided, multiple submitters, no conflicts (2 of 4 stars). 6 submissions from 6 submitters: Pathogenic (4). 2 of the submissions do not count toward it. Last evaluated 2025-08-25.

Conditions:
PROS1-related disorder. Also called: PROS1-related condition.
Thrombophilia due to protein S deficiency, autosomal dominant (THPH5). Identifiers: Orphanet 26349, Orphanet 743, MedGen C3278211, MONDO:0012868, OMIM 612336. Disease mechanism: loss of function.
Thrombophilia due to protein S deficiency, autosomal recessive (THPH6). Identifiers: Orphanet 743, MedGen C3281092, MONDO:0013791, OMIM 614514. Disease mechanism: loss of function.

Allele frequency attached by ClinVar (database versions not stated): gnomAD 0.00005 and 0.00001; gnomAD exomes 0.00016 and 0.00003; TOPMed 0.00002; ExAC 0.00003; 1000 Genomes Project 0.00020; 1000 Genomes Project 30x 0.00016.
gnomAD v4.1: 236 of 1,612,018 alleles (0.015%); highest among the groups gnomAD compares: East Asian, 0.52%; 3 homozygotes.

Submissions (6):

Labcorp Genetics (formerly Invitae), Labcorp
Classification: Pathogenic for Thrombophilia due to protein S deficiency, autosomal recessive. Last evaluated: 2025-08-25. Review status: criteria provided, single submitter. Criteria: Invitae Variant Classification Sherloc (09022015). Collection method: clinical testing. Allele origin: germline.
Comment: This sequence change replaces lysine, which is basic and polar, with glutamic acid, which is acidic and polar, at codon 196 of the PROS1 protein (p.Lys196Glu). This variant is present in population databases (rs121918474, gnomAD 0.03%). This missense change has been observed in individuals with conditions associated with reduce protein S deficiency including venous thromboembolism (VTE). Case-control studies have demonstrated that this is a common variant that is associated with increased risk of VTE in Japanese populations, though measurable protein S activity is not always reduced in these individuals and not all carriers are clinically affected (PMID: 10811787, 15978566, 16461766, 24233386, 27660039). This variant is also known as p.Lys155Glu and S-Tokushima. ClinVar contains an entry for this variant (Variation ID: 13318). Invitae Evidence Modeling of protein sequence and biophysical properties (such as structural, functional, and spatial information, amino acid conservation, physicochemical variation, residue mobility, and thermodynamic stability) indicates that this missense variant is not expected to disrupt PROS1 protein function with a negative predictive value of 80%. Experimental studies have shown that this missense change affects PROS1 function (PMID: 16961608, 26251307, 30349894). For these reasons, this variant has been classified as Pathogenic.

Illumina Laboratory Services, Illumina
Classification: Pathogenic for Thrombophilia due to protein S deficiency, autosomal dominant. Last evaluated: 2017-04-27. Review status: criteria provided, single submitter. Criteria: ICSL Variant Classification Criteria 09 May 2019. Collection method: clinical testing. Allele origin: germline.
Comment: The PROS1 c.586A>G (p.Lys196Glu) missense variant, commonly referred to as the protein S Tokushima variant, is well described in the literature and only found in the Japanese population, where it has been shown to account for between nine and 30 percent of protein S abnormalities (Huang et al. 2016). Across a selection of the literature that studied 488 cases with protein S deficiency and thrombotic disease, the p.Lys196Glu variant is reported in a homozygous state in four affected individuals, in a compound heterozygous state in two affected individuals and one unaffected relative, and in a heterozygous state in 39 affected individuals, all of whom exhibited reduced protein S activity (Hayashi et al. 1994; Kimura et al. 2006a; Kimura et al. 2006b; Miyata et al. 2009; Yamanouchi et al. 2009; Ikejiri et al. 2010; Hayakawa et al. 2011). The p.Lys196Glu variant was detected in 103 out of 5751 controls and is reported at a frequency of 0.00046 in the East Asian population of the Exome Aggregation Consortium. Ikejiri et al. (2010) report the frequency of the variant is significantly higher in individuals with protein S deficiency and thrombotic disease compared to healthy individuals with odds ratios ranging from 4.99 to 8.56 for individuals being treated with warfarin in whom thrombotic disease has been resolved and individuals with thrombotic disease, respectively. Protein S activity in individuals carrying the p.Lys196Glu in a heterozygous state can range from being only slightly reduced to being nearly normal (Hayakawa et al. 2010). Banno et al. (2015) constructed a mouse model of the variant and demonstrated decreased protein C cofactor activity and increased susceptibility to venous thrombosis compared to wild type. Based on the collective evidence the p.Lys196Glu variant is classified as pathogenic for protein S deficiency and is considered to be a risk factor for thrombotic disease. This variant was observed by ICSL as part of a predisposition screen in an ostensibly healthy population.

Snyder Lab, Genetics Department, Stanford University
Classification: Pathogenic for Protein S deficiency. Last evaluated: 2017-01-01. Review status: criteria provided, single submitter. Criteria: ACMG Guidelines, 2015. Collection method: research. Allele origin: germline.

Juno Genomics, Hangzhou Juno Genomics, Inc
Classification: Pathogenic for Thrombophilia due to protein S deficiency, autosomal dominant; Thrombophilia due to protein S deficiency, autosomal recessive. Review status: criteria provided, single submitter. Criteria: ACMG Guidelines, 2015. Collection method: clinical testing. Allele origin: germline.
Comment: The prevalence of the variant in affected individuals is significantly increased compared to the prevalence in controls.;For recessive disorders, detected in trans with a pathogenic variant.;Patient's phenotype or family history is highly specific for a disease with a single genetic etiology.;Located in a mutational hot spot and/or critical and well-established functional domain without benign variation.;Well-established in vitro or in vivo functional studies supportive of a damaging effect on the gene or gene product.

PreventionGenetics, part of Exact Sciences
Classification: Pathogenic for PROS1-related condition. Last evaluated: 2024-01-30. Review status: no assertion criteria provided. Collection method: clinical testing. Allele origin: germline. Not counted in ClinVar's aggregate classification.
Comment: The PROS1 c.586A>G variant is predicted to result in the amino acid substitution p.Lys196Glu. This variant is alternatively referred to as p.Lys155Glu using legacy nomenclature. This variant was reported in individuals with protein S deficiency and deep vein thrombosis (Hayashi et al. 1994. PubMed ID: 8298131; Miyata et al. 2008. PubMed ID: 18954896; Ikejiri et al. 2010. PubMed ID: 20811787). This variant is reported in 0.038% of alleles in individuals of East Asian descent in gnomAD. In vitro and In vivo experimental studies suggest this variant impacts protein function (Banno et al. 2015. PubMed ID: 26251307; Miyata et al. 2008. PubMed ID: 18954896). This variant is interpreted as pathogenic.

OMIM
Classification: Pathogenic for THROMBOPHILIA DUE TO PROTEIN S DEFICIENCY, AUTOSOMAL DOMINANT. Last evaluated: 1994-02-01. Review status: no assertion criteria provided. Collection method: literature only. Allele origin: germline. Not counted in ClinVar's aggregate classification.

Literature cited by the submitters: PubMed 10811787 (cited by Labcorp Genetics (formerly Invitae), Labcorp); PubMed 15978566 (cited by Labcorp Genetics (formerly Invitae), Labcorp); PubMed 16461766 (cited by Labcorp Genetics (formerly Invitae), Labcorp and Illumina Laboratory Services, Illumina); PubMed 24233386 (cited by Labcorp Genetics (formerly Invitae), Labcorp); PubMed 27660039 (cited by Labcorp Genetics (formerly Invitae), Labcorp); PubMed 16961608 (cited by 3 submitters); PubMed 26251307 (cited by Labcorp Genetics (formerly Invitae), Labcorp and Snyder Lab, Genetics Department, Stanford University); PubMed 30349894 (cited by Labcorp Genetics (formerly Invitae), Labcorp); PubMed 19826897 (cited by Illumina Laboratory Services, Illumina); PubMed 8298131 (cited by 3 submitters); PubMed 21285903 (cited by Illumina Laboratory Services, Illumina and Snyder Lab, Genetics Department, Stanford University); PubMed 18954896 (cited by Illumina Laboratory Services, Illumina and Snyder Lab, Genetics Department, Stanford University); PubMed 20811787 (cited by Illumina Laboratory Services, Illumina and Snyder Lab, Genetics Department, Stanford University); PubMed 26985940 (cited by Illumina Laboratory Services, Illumina and Snyder Lab, Genetics Department, Stanford University); PubMed 21811774 (cited by Snyder Lab, Genetics Department, Stanford University).